The following is an entry in ClinVar:

ClinVar aggregate classification (germline): Likely pathogenic (1 of 4 stars; one submission).

Conditions:
Mucopolysaccharidosis, MPS-II (MPS2). Also called: Hunter Syndrome; IDURONATE 2-SULFATASE DEFICIENCY; Mucopolysaccharidosis Type II; Mucopolysaccharidosis type 2; Attenuated MPS (subtype; formerly known as mild MPS II); Severe MPS II. Identifiers: Orphanet 580, Orphanet 79388, MedGen C0026705, MONDO:0010674, OMIM 309900.

Submission:

Laboratory of Diagnosis and Therapy of Lysosomal Disorders, University of Padova
Classification: Likely pathogenic for Mucopolysaccharidosis, MPS-II. Last evaluated: 2024-06-07. Review status: criteria provided, single submitter. Criteria: ACMG Guidelines, 2015. Collection method: literature only. Allele origin: germline. Affected: yes. Observed: 1 variant allele.
Comment: Absent from controls (or at low frequency) in gnomAD database (PM2_Moderate), Missense variant in a gene with a low rate of benign missense variation (PP2_Supporting), Multiple lines of computational evidence support a deleterious effect (PP3_Supporting), Patient’s phenotype or family history highly specific for the disease (PP4_Strong)

Classification method: ACMG Guidelines [PMID:25741868] with modifications

Literature cited by the submitters: PubMed 22286622.

NM_000202.8(IDS):c.238C>A (p.Gln80Lys)

Gene: IDS (iduronate 2-sulfatase; minus strand). Cytogenetic location: Xq28.
Variant type: single nucleotide variant.
Coding change: c.238C>A on transcript NM_000202.8 (MANE Select); coding-DNA position 238, C replaced by A.
Protein change: p.Gln80Lys; replaces glutamine 80 with lysine.
Molecular consequence: missense variant. On other transcripts: synonymous variant (1), non-coding transcript variant (1).
Genome position (GRCh38, 1-based): chrX:149,504,159, G>T on the plus strand (C>A on the coding strand, the complement: IDS is on the minus strand). VCF-style: chrX-149504159-G-T. GRCh37 (hg19) VCF-style: chrX-148585689-G-T.
Other names: c.12C>A, p.Arg4= (NM_001166550.4); c.238C>A, p.Gln80Lys (NM_006123.5); short protein forms Q80K.
Identifiers: ClinVar variation 3256104 (VCV003256104.2).